The following is an entry in ClinVar:

ClinVar aggregate classification (germline): Pathogenic (1 of 4 stars; one submission).

Conditions:
Carney complex, type 1 (CNC1). Also called: CARNEY COMPLEX, TYPE I; CARNEY MYXOMA-ENDOCRINE COMPLEX. Identifiers: Orphanet 1359, MedGen C2607929, MONDO:0008057, OMIM 160980.

Submission:

Labcorp Genetics (formerly Invitae), Labcorp
Classification: Pathogenic for Carney complex, type 1. Last evaluated: 2018-05-31. Review status: criteria provided, single submitter. Criteria: Invitae Variant Classification Sherloc (09022015). Collection method: clinical testing. Allele origin: germline.
Comment: A gross deletion of the genomic region encompassing the full coding sequence of the PRKAR1A gene has been identified. The boundaries of this event are unknown as the deletion extends beyond the assayed region for this gene and therefore may encompass additional genes. A similar whole gene deletion of PRKAR1A has been observed to segregate with disease in a family affected with Carney complex (Invitae). Additionally, whole-gene deletions of PRKAR1A and larger copy number events that include this gene have been reported in individuals affected with Carney complex (PMID: 24170103). Loss-of-function variants in PRKAR1A are known to be pathogenic (PMID: 11115848, 19293268). For these reasons, this variant has been classified as Pathogenic.

Literature cited by the submitters: PubMed 24170103.

NC_000017.11:g.(?_68512379)_(68530459_?)del

Genes: PRKAR1A (protein kinase cAMP-dependent type I regulatory subunit alpha; plus strand), LOC125316783 (Sharpr-MPRA regulatory region 15560; plus strand). Cytogenetic location: 17q24.2.
Variant type: Deletion.
Identifiers: ClinVar variation 583714 (VCV000583714.1).